The following is an entry in ClinVar:

NM_015100.4(POGZ):c.3279A>T (p.Leu1093=)

Gene: POGZ (pogo transposable element derived with ZNF domain; minus strand). Cytogenetic location: 1q21.3.
Variant type: single nucleotide variant.
Coding change: c.3279A>T on transcript NM_015100.4 (MANE Select); coding-DNA position 3279, A replaced by T.
Protein change: p.Leu1093=; no amino-acid change (leucine 1093 retained).
Molecular consequence: synonymous variant.
Genome position (GRCh38, 1-based): chr1:151,405,756, T>A on the plus strand (A>T on the coding strand, the complement: POGZ is on the minus strand). VCF-style: chr1-151405756-T-A. GRCh37 (hg19) VCF-style: chr1-151378232-T-A.
Other names: c.3252A>T, p.Leu1084= (NM_001194937.2); c.3093A>T, p.Leu1031= (NM_001194938.2); c.2994A>T, p.Leu998= (NM_145796.4); c.3120A>T, p.Leu1040= (NM_207171.2).
Identifiers: ClinVar variation 751995 (VCV000751995.10), dbSNP rs567756416, ClinGen allele CA1090985.

ClinVar aggregate classification (germline): Benign/Likely benign. Review status: criteria provided, multiple submitters, no conflicts (2 of 4 stars). 5 submissions from 5 submitters: Benign (2); Likely benign (2). 1 of the submissions does not count toward it. Last evaluated 2023-04-11.

Conditions:
POGZ-related disorder. Also called: POGZ-related condition.
Intellectual disability-microcephaly-strabismus-behavioral abnormalities syndrome. Also called: White-Sutton Syndrome. Identifiers: Orphanet 468678, MedGen C4225351, MONDO:0014606, OMIM 616364.

Allele frequency attached by ClinVar (database versions not stated): gnomAD 0.00004 and 0.00008; TOPMed 0.00006; 1000 Genomes Project 30x 0.00109; 1000 Genomes Project 0.00140.
gnomAD v4.1: 59 of 1,614,076 alleles (0.0037%); highest among the groups gnomAD compares: East Asian, 0.12%; no homozygotes.

Submissions (5):

Genome-Nilou Lab
Classification: Likely benign for Intellectual disability-microcephaly-strabismus-behavioral abnormalities syndrome. Last evaluated: 2023-04-11. Review status: criteria provided, single submitter. Criteria: ACMG Guidelines, 2015. Collection method: clinical testing. Allele origin: germline. Affected: no.

Fulgent Genetics
Classification: Likely benign for Intellectual disability-microcephaly-strabismus-behavioral abnormalities syndrome. Last evaluated: 2021-07-07. Review status: criteria provided, single submitter. Criteria: ACMG Guidelines, 2015. Collection method: clinical testing. Allele origin: unknown.

GeneDx
Classification: Benign. Last evaluated: 2021-04-26. Review status: criteria provided, single submitter. Criteria: GeneDx Variant Classification Process June 2021. Collection method: clinical testing. Allele origin: germline. Affected: yes.

Labcorp Genetics (formerly Invitae), Labcorp
Classification: Benign. Last evaluated: 2019-12-31. Review status: criteria provided, single submitter. Criteria: Invitae Variant Classification Sherloc (09022015). Collection method: clinical testing. Allele origin: germline.

PreventionGenetics, part of Exact Sciences
Classification: Likely benign for POGZ-related condition. Last evaluated: 2022-04-05. Review status: no assertion criteria provided. Collection method: clinical testing. Allele origin: germline. Not counted in ClinVar's aggregate classification.
Comment: This variant is classified as likely benign based on ACMG/AMP sequence variant interpretation guidelines (Richards et al. 2015 PMID: 25741868, with internal and published modifications).